The following is an entry in ClinVar:

NM_004484.4(GPC3):c.37G>C (p.Ala13Pro)

Gene: GPC3 (glypican 3; minus strand). Cytogenetic location: Xq26.2.
Variant type: single nucleotide variant.
Coding change: c.37G>C on transcript NM_004484.4 (MANE Select); coding-DNA position 37, G replaced by C.
Protein change: p.Ala13Pro; replaces alanine 13 with proline.
Molecular consequence: missense variant.
Genome position (GRCh38, 1-based): chrX:133,985,413, C>G on the plus strand (G>C on the coding strand, the complement: GPC3 is on the minus strand). VCF-style: chrX-133985413-C-G. GRCh37 (hg19) VCF-style: chrX-133119440-C-G.
Other names: c.37G>C, p.Ala13Pro (NM_001164617.2, NM_001164618.2, NM_001164619.2); short protein forms A13P.
Identifiers: ClinVar variation 1411916 (VCV001411916.6), dbSNP rs2124655865, ClinGen allele CA414707174.

ClinVar aggregate classification (germline): Uncertain significance (1 of 4 stars; one submission).

Conditions:
Wilms tumor 1 (WT1). Also called: Wilms tumor, somatic. Identifiers: Orphanet 654, MedGen CN033288, MONDO:0008679, OMIM 194070.

Allele frequency attached by ClinVar (database versions not stated): gnomAD exomes below 0.00001.
gnomAD v4.1: 3 of 1,184,473 alleles (0.00025%); highest among the groups gnomAD compares: Non-Finnish European, 0.00034%; no homozygotes.

Submission:

Labcorp Genetics (formerly Invitae), Labcorp
Classification: Uncertain significance for Wilms tumor 1. Last evaluated: 2022-08-08. Review status: criteria provided, single submitter. Criteria: Invitae Variant Classification Sherloc (09022015). Collection method: clinical testing. Allele origin: germline.
Comment: This sequence change replaces alanine, which is neutral and non-polar, with proline, which is neutral and non-polar, at codon 13 of the GPC3 protein (p.Ala13Pro). This variant is not present in population databases (gnomAD no frequency). This variant has not been reported in the literature in individuals affected with GPC3-related conditions. ClinVar contains an entry for this variant (Variation ID: 1411916). Algorithms developed to predict the effect of missense changes on protein structure and function are either unavailable or do not agree on the potential impact of this missense change (SIFT: "Tolerated"; PolyPhen-2: "Possibly Damaging"; Align-GVGD: "Class C0"). In summary, the available evidence is currently insufficient to determine the role of this variant in disease. Therefore, it has been classified as a Variant of Uncertain Significance.